The following is an entry in ClinVar:

ClinVar aggregate classification (germline): Uncertain significance (1 of 4 stars; one submission).

Submission:

GeneDx
Classification: Uncertain significance. Last evaluated: 2026-03-13. Review status: criteria provided, single submitter. Criteria: GeneDx Variant Classification Process June 2021. Collection method: clinical testing. Allele origin: germline.
Comment: Not observed at significant frequency in large population cohorts (gnomAD); In silico analysis supports that this missense variant has a deleterious effect on protein structure/function; Has not been previously published as pathogenic or benign to our knowledge

NM_001393769.1(MED12L):c.3836G>C (p.Arg1279Thr)

Genes: MED12L (mediator complex subunit 12L; plus strand), P2RY12 (purinergic receptor P2Y12; minus strand). Cytogenetic location: 3q25.1.
Variant type: single nucleotide variant.
Coding change: c.3836G>C on transcript NM_001393769.1 (MANE Select); coding-DNA position 3836, G replaced by C.
Protein change: p.Arg1279Thr; replaces arginine 1279 with threonine.
Molecular consequence: missense variant. On other transcripts: intron variant (1).
Genome position (GRCh38, 1-based): chr3:151,372,738, G>C. VCF-style: chr3-151372738-G-C. GRCh37 (hg19) VCF-style: chr3-151090526-G-C.
Other names: c.3731G>C, p.Arg1244Thr (NM_053002.6); c.-180+11954C>G (NM_022788.5); short protein forms R1244T, R1279T.
Identifiers: ClinVar variation 5009204 (VCV005009204.1).
Genomic context (GRCh38, chr3:151,372,738, plus strand): 5'-ATCCAAAATCCTGTGGGAAAAGCATTTCCATAGAAACTGCCAATTTAAGAGAATACGCTA[G>C]ATATGTACTGAGGACTATCTGTCAACAGGTATTCTAATTTAATTTGCCTTTTACTTTGAG-3'
Protein context (NP_001380698.1, residues 1269-1289): IETANLREYA[Arg1279Thr]YVLRTICQQE